The following is an entry in ClinVar:

NM_152564.5(VPS13B):c.9592C>T (p.Arg3198Trp)

Gene: VPS13B (vacuolar protein sorting 13 homolog B; plus strand). Cytogenetic location: 8q22.2.
Variant type: single nucleotide variant.
Coding change: c.9592C>T on transcript NM_152564.5 (MANE Select); coding-DNA position 9592, C replaced by T.
Protein change: p.Arg3198Trp; replaces arginine 3198 with tryptophan.
Molecular consequence: missense variant.
Genome position (GRCh38, 1-based): chr8:99,832,630, C>T. VCF-style: chr8-99832630-C-T. GRCh37 (hg19) VCF-style: chr8-100844858-C-T.
Other names: c.9592C>T (NM_152564.4); c.9667C>T, p.Arg3223Trp (NM_017890.5); short protein forms R3198W.
Identifiers: ClinVar variation 95876 (VCV000095876.116), dbSNP rs149842139, ClinGen allele CA148992.

ClinVar aggregate classification (germline): Benign/Likely benign. Review status: criteria provided, multiple submitters, no conflicts (2 of 4 stars). 18 submissions from 18 submitters: Benign (7); Likely benign (7). 4 of the submissions do not count toward it. Last evaluated 2026-04-01.

Conditions:
VPS13B-related disorder. Also called: VPS13B-related condition.
Inborn genetic diseases. Identifiers: MedGen C0950123, MeSH D030342.
Cohen syndrome (COH1). Also called: PEPPER SYNDROME; Cutis verticis gyrata, retinitis pigmentosa, and sensorineural deafness. Identifiers: Orphanet 193, MedGen C0265223, MONDO:0008999, OMIM 216550.

Allele frequency attached by ClinVar (database versions not stated): 1000 Genomes Project 0.00020; 1000 Genomes Project 30x 0.00047; ESP Exome Variant Server 0.00308; gnomAD 0.00511; ExAC 0.00398; TOPMed 0.00322.
gnomAD v4.1: 6,809 of 1,613,648 alleles (0.42%); highest among the groups gnomAD compares: Non-Finnish European, 0.51%; 18 homozygotes.

Submissions (18):

CeGaT Center for Human Genetics Tuebingen
Classification: Likely benign. Last evaluated: 2026-04-01. Review status: criteria provided, single submitter. Criteria: CeGaT Center For Human Genetics Tuebingen Variant Classification Criteria Version 2. Collection method: clinical testing. Allele origin: germline. Affected: yes. Observed: 27 variant alleles.
Comment: VPS13B: BP4, BS2

Labcorp Genetics (formerly Invitae), Labcorp
Classification: Benign for Cohen syndrome. Last evaluated: 2026-02-02. Review status: criteria provided, single submitter. Criteria: Invitae Variant Classification Sherloc (09022015). Collection method: clinical testing. Allele origin: germline.

Athena Diagnostics
Classification: Benign. Last evaluated: 2024-12-04. Review status: criteria provided, single submitter. Criteria: Athena Diagnostics Criteria. Collection method: clinical testing. Allele origin: unknown.
Comment: The frequency of this variant in the general population is higher than would generally be expected for pathogenic variants in this gene.

Blueprint Genetics
Classification: Likely benign. Last evaluated: 2024-11-23. Review status: criteria provided, single submitter. Criteria: ACMG Guidelines, 2015. Collection method: clinical testing. Allele origin: germline.

Mayo Clinic Laboratories, Mayo Clinic
Classification: Benign. Last evaluated: 2023-08-24. Review status: criteria provided, single submitter. Criteria: ACMG Guidelines, 2015. Collection method: clinical testing. Allele origin: germline. Observed: 11 variant alleles.
Comment: BS1, BS2, BP4

Women's Health and Genetics/Laboratory Corporation of America, LabCorp
Classification: Benign. Last evaluated: 2022-05-04. Review status: criteria provided, single submitter. Criteria: LabCorp Variant Classification Summary - May 2015. Collection method: clinical testing. Allele origin: germline.
Comment: Variant summary: VPS13B c.9667C>T (p.Arg3223Trp) results in a non-conservative amino acid change in the encoded protein sequence. Three of five in-silico tools predict a benign effect of the variant on protein function. The variant allele was found at a frequency of 0.0036 in 250822 control chromosomes in the gnomAD database, including 3 homozygotes. The observed variant frequency is approximately 1.44 fold of the estimated maximal expected allele frequency for a pathogenic variant in VPS13B causing Cohen Syndrome phenotype (0.0025), strongly suggesting that the variant is benign. To our knowledge, no penetrant association of c.9667C>T in individuals affected with Cohen Syndrome and no experimental evidence demonstrating its impact on protein function have been reported. Ten clinical diagnostic laboratories have submitted clinical-significance assessments for this variant to ClinVar after 2014 without evidence for independent evaluation. All laboratories classified the variant as benign/likely benign. Based on the evidence outlined above, the variant was classified as benign.

Fulgent Genetics
Classification: Likely benign for Cohen syndrome. Last evaluated: 2022-05-03. Review status: criteria provided, single submitter. Criteria: ACMG Guidelines, 2015. Collection method: clinical testing. Allele origin: unknown.

GeneDx
Classification: Benign. Last evaluated: 2020-05-29. Review status: criteria provided, single submitter. Criteria: GeneDx Variant Classification Process June 2021. Collection method: clinical testing. Allele origin: germline. Affected: yes.
Comment: This variant is associated with the following publications: (PMID: 25502226, 29706646)

Ambry Genetics
Classification: Benign for Inborn genetic diseases. Last evaluated: 2018-07-19. Review status: criteria provided, single submitter. Criteria: Ambry Variant Classification Scheme 2023. Collection method: clinical testing. Allele origin: germline.

Illumina Laboratory Services, Illumina
Classification: Likely benign for Cohen syndrome. Last evaluated: 2018-01-13. Review status: criteria provided, single submitter. Criteria: ICSL Variant Classification Criteria 13 December 2019. Collection method: clinical testing. Allele origin: germline.
Comment: This variant was observed in the ICSL laboratory as part of a predisposition screen in an ostensibly healthy population. It had not been previously curated by ICSL or reported in the Human Gene Mutation Database (HGMD: prior to June 1st, 2018), and was therefore a candidate for classification through an automated scoring system. Utilizing variant allele frequency, disease prevalence and penetrance estimates, and inheritance mode, an automated score was calculated to assess if this variant is too frequent to cause the disease. Based on the score and internal cut-off values, a variant classified as likely benign is not then subjected to further curation. The score for this variant resulted in a classification of likely benign for this disease.

Genome Diagnostics Laboratory, University Medical Center Utrecht
Classification: Likely benign for Cohen syndrome. Last evaluated: 2016-11-08. Review status: criteria provided, single submitter. Criteria: ACGS Guidelines, 2013. Collection method: clinical testing. Allele origin: germline. Affected: yes. Study: VKGL Data-share Consensus.

Genetic Services Laboratory, University of Chicago
Classification: Likely benign. Last evaluated: 2015-06-30. Review status: criteria provided, single submitter. Criteria: ACMG Guidelines, 2015. Collection method: clinical testing. Allele origin: germline.

Eurofins Ntd Llc (ga)
Classification: Benign. Last evaluated: 2013-10-03. Review status: criteria provided, single submitter. Criteria: EGL Classification Definitions 2015. Collection method: clinical testing. Allele origin: germline. Observed: 2 variant alleles, 2 heterozygotes.

Breakthrough Genomics
Classification: Likely benign. Review status: criteria provided, single submitter. Criteria: ACMG Guidelines, 2015. Collection method: not provided. Allele origin: germline. Inheritance: Autosomal recessive inheritance. Affected: yes.

Natera, Inc.
Classification: Benign for Cohen syndrome. Last evaluated: 2019-10-18. Review status: no assertion criteria provided. Collection method: clinical testing. Allele origin: germline. Not counted in ClinVar's aggregate classification.

PreventionGenetics, part of Exact Sciences
Classification: Likely benign for VPS13B-related condition. Last evaluated: 2019-03-25. Review status: no assertion criteria provided. Collection method: clinical testing. Allele origin: germline. Not counted in ClinVar's aggregate classification.
Comment: This variant is classified as likely benign based on ACMG/AMP sequence variant interpretation guidelines (Richards et al. 2015 PMID: 25741868, with internal and published modifications).

Clinical Genetics, Academic Medical Center
Classification: Likely benign. Review status: no assertion criteria provided. Collection method: clinical testing. Allele origin: germline. Affected: yes. Study: VKGL Data-share Consensus. Not counted in ClinVar's aggregate classification.

Diagnostic Laboratory, Department of Genetics, University Medical Center Groningen
Classification: Likely benign for Cohen syndrome. Review status: no assertion criteria provided. Collection method: clinical testing. Allele origin: germline. Affected: yes. Study: VKGL Data-share Consensus. Not counted in ClinVar's aggregate classification.

Literature cited by the submitters: PubMed 25502226 (cited by Athena Diagnostics and Ambry Genetics); PubMed 34426522 (cited by Athena Diagnostics); PubMed 29706646 (cited by Athena Diagnostics); PubMed 35690661 (cited by Athena Diagnostics).